The following is an entry in ClinVar:

NM_000260.4(MYO7A):c.3176C>T (p.Thr1059Ile)

Gene: MYO7A (myosin VIIA; plus strand). Cytogenetic location: 11q13.5.
Variant type: single nucleotide variant.
Coding change: c.3176C>T on transcript NM_000260.4 (MANE Select); coding-DNA position 3176, C replaced by T.
Protein change: p.Thr1059Ile; replaces threonine 1059 with isoleucine.
Molecular consequence: missense variant.
Genome position (GRCh38, 1-based): chr11:77,182,491, C>T. VCF-style: chr11-77182491-C-T. GRCh37 (hg19) VCF-style: chr11-76893536-C-T.
Other names: c.3176C>T, p.Thr1059Ile (NM_001127180.2); c.3143C>T, p.Thr1048Ile (NM_001369365.1); short protein forms T1048I, T1059I.
Identifiers: ClinVar variation 3067466 (VCV003067466.21), dbSNP rs1555085481, ClinGen allele CA381944752.

ClinVar aggregate classification (germline): Uncertain significance (1 of 4 stars; one submission).

Allele frequency attached by ClinVar (database versions not stated): gnomAD exomes below 0.00001.
gnomAD v4.1: 9 of 1,611,252 alleles (0.00056%); highest among the groups gnomAD compares: East Asian, 0.0022%; no homozygotes.

Submission:

CeGaT Center for Human Genetics Tuebingen
Classification: Uncertain significance. Last evaluated: 2024-03-01. Review status: criteria provided, single submitter. Criteria: CeGaT Center For Human Genetics Tuebingen Variant Classification Criteria Version 2. Collection method: clinical testing. Allele origin: germline. Affected: yes. Observed: 1 variant allele.
Comment: MYO7A: PM2